The following is an entry in ClinVar:

ClinVar aggregate classification (germline): Likely pathogenic (0 of 4 stars; one submission).

Conditions:
CTNNA1-related disorder. Also called: CTNNA1-related condition.

Submission:

PreventionGenetics, part of Exact Sciences
Classification: Likely pathogenic for CTNNA1-related condition. Last evaluated: 2024-01-19. Review status: no assertion criteria provided. Collection method: clinical testing. Allele origin: germline.
Comment: The CTNNA1 c.2473_2476delTGGC variant is predicted to result in a frameshift and premature protein termination (p.Trp825Leufs*75). To our knowledge, this variant has not been reported in the literature or in gnomAD, indicating this variant is rare. Frameshift variants in CTNNA1 are expected to be pathogenic. This variant is interpreted as likely pathogenic.

NM_001903.5(CTNNA1):c.2433+215_2433+218del

Gene: CTNNA1 (catenin alpha 1; plus strand). Cytogenetic location: 5q31.2.
Variant type: Deletion.
Coding change: c.2433+215_2433+218del on transcript NM_001903.5 (MANE Select); bases 215 to 218 of the intron after coding-DNA position 2433, 4 bases deleted (TGGC; older notation c.2433+215_2433+218delTGGC).
Molecular consequence: intron variant. On other transcripts: frameshift variant (5).
Genome position (GRCh38, 1-based): chr5:138,932,927-138,932,930, TGGC deleted; deleting any 4 consecutive bases within chr5:138,932,924-138,932,930 gives the same sequence; the c. name uses the placement nearest the transcript's 3' end. VCF-style (leftmost placement, unchanged base first): chr5-138932923-AGGCT-A. GRCh37 (hg19) VCF-style: chr5-138268612-AGGCT-A.
Other names: c.2473_2476del, p.Trp825fs (NM_001290307.3); c.1363_1366del, p.Trp455fs (NM_001324002.1, NM_001324003.1, NM_001324004.1 and 1 more transcripts); c.2433+215_2433+218del (NM_001323982.2, NM_001323984.2, NM_001323985.2 and 1 more transcripts); c.2340+215_2340+218del (NM_001323986.2); c.2064+215_2064+218del (NM_001290310.3); c.2124+215_2124+218del (NM_001290309.3); c.1323+215_1323+218del (NM_001323996.1, NM_001323993.1, NM_001323998.1 and 12 more transcripts); c.984+215_984+218del (NM_001324007.1, NM_001324009.1, NM_001324006.1 and 2 more transcripts); and 3 more; short protein forms W455fs, W825fs.
Identifiers: ClinVar variation 3031190 (VCV003031190.2), dbSNP rs2533923421, ClinGen allele CA2740094088.